The following is an entry in ClinVar:

ClinVar aggregate classification (germline): Conflicting classifications of pathogenicity. Review status: criteria provided, conflicting classifications (1 of 4 stars). 8 submissions from 8 submitters: Uncertain significance (4); Likely benign (2). 2 of the submissions do not count toward it. Last evaluated 2026-05-01.

Conditions:
Autosomal recessive nonsyndromic hearing loss 79. Identifiers: Orphanet 90636, MedGen C2750082, MONDO:0013215, OMIM 613307.

Allele frequency attached by ClinVar (database versions not stated): ExAC below 0.00001; 1000 Genomes Project 0.00040; gnomAD 0.00093 and 0.00097; TOPMed 0.00102; gnomAD exomes 0.00113.
gnomAD v4.1: 2,404 of 1,433,804 alleles (0.17%); highest among the groups gnomAD compares: Non-Finnish European, 0.2%; 5 homozygotes.

Submissions (8):

CeGaT Center for Human Genetics Tuebingen
Classification: Likely benign. Last evaluated: 2026-05-01. Review status: criteria provided, single submitter. Criteria: CeGaT Center For Human Genetics Tuebingen Variant Classification Criteria Version 2. Collection method: clinical testing. Allele origin: germline. Affected: yes. Observed: 1 variant allele.
Comment: TPRN: BS2

Labcorp Genetics (formerly Invitae), Labcorp
Classification: Uncertain significance. Last evaluated: 2025-01-23. Review status: criteria provided, single submitter. Criteria: Invitae Variant Classification Sherloc (09022015). Collection method: clinical testing. Allele origin: germline.
Comment: This sequence change replaces arginine, which is basic and polar, with serine, which is neutral and polar, at codon 219 of the TPRN protein (p.Arg219Ser). This variant is present in population databases (rs559890679, gnomAD 0.1%), and has an allele count higher than expected for a pathogenic variant. This variant has not been reported in the literature in individuals affected with TPRN-related conditions. ClinVar contains an entry for this variant (Variation ID: 281979). Invitae Evidence Modeling of protein sequence and biophysical properties (such as structural, functional, and spatial information, amino acid conservation, physicochemical variation, residue mobility, and thermodynamic stability) indicates that this missense variant is not expected to disrupt TPRN protein function with a negative predictive value of 80%. In summary, the available evidence is currently insufficient to determine the role of this variant in disease. Therefore, it has been classified as a Variant of Uncertain Significance.

Blueprint Genetics
Classification: Uncertain significance. Last evaluated: 2024-10-30. Review status: criteria provided, single submitter. Criteria: ACMG Guidelines, 2015. Collection method: clinical testing. Allele origin: germline.

GeneDx
Classification: Likely benign. Last evaluated: 2024-08-13. Review status: criteria provided, single submitter. Criteria: GeneDx Variant Classification Process June 2021. Collection method: clinical testing. Allele origin: germline. Affected: yes.
Comment: See Variant Classification Assertion Criteria.

Department of Pathology and Laboratory Medicine, Sinai Health System
Classification: Uncertain significance for Autosomal recessive nonsyndromic hearing loss 79. Last evaluated: 2021-07-30. Review status: criteria provided, single submitter. Criteria: ACMG Guidelines, 2015. Collection method: research. Allele origin: germline.

Eurofins Ntd Llc (ga)
Classification: Uncertain significance. Last evaluated: 2015-07-30. Review status: criteria provided, single submitter. Criteria: EGL Classification Definitions 2015. Collection method: clinical testing. Allele origin: germline. Observed: 1 variant allele, 1 heterozygote.

Clinical Genetics DNA and cytogenetics Diagnostics Lab, Erasmus MC, Erasmus Medical Center
Classification: Uncertain significance. Review status: no assertion criteria provided. Collection method: clinical testing. Allele origin: germline. Affected: yes. Study: VKGL Data-share Consensus. Not counted in ClinVar's aggregate classification.

Joint Genome Diagnostic Labs from Nijmegen and Maastricht, Radboudumc and MUMC+
Classification: Uncertain significance. Review status: no assertion criteria provided. Collection method: clinical testing. Allele origin: germline. Affected: yes. Study: VKGL Data-share Consensus. Not counted in ClinVar's aggregate classification.

NM_001128228.3(TPRN):c.655C>A (p.Arg219Ser)

Gene: TPRN (taperin; minus strand). Cytogenetic location: 9q34.3.
Variant type: single nucleotide variant.
Coding change: c.655C>A on transcript NM_001128228.3 (MANE Select); coding-DNA position 655, C replaced by A.
Protein change: p.Arg219Ser; replaces arginine 219 with serine.
Molecular consequence: missense variant.
Genome position (GRCh38, 1-based): chr9:137,200,057, G>T on the plus strand (C>A on the coding strand, the complement: TPRN is on the minus strand). VCF-style: chr9-137200057-G-T. GRCh37 (hg19) VCF-style: chr9-140094509-G-T.
Other names: short protein forms R219S.
Identifiers: ClinVar variation 281979 (VCV000281979.24), dbSNP rs559890679, ClinGen allele CA5362886.
Genomic context (GRCh38, chr9:137,200,057, plus strand): 5'-CGAGGCGGTTGGCAGGGCCGGCCCGGGGCTCAGGGGCCGAGTGCCCGTTGGAGAGCAGGC[G>T]GGCGCCCGCGCCGCGGTGCAGACCCCGGGGGTGGACGGTGAAGGAGTTGCTGCCGGTCTT-3'
Protein context (NP_001121700.2, residues 209-229): PRGLHRGAGA[Arg219Ser]LLSNGHSAPE